The following is an entry in ClinVar:

NM_013328.4(PYCR2):c.28C>T (p.Gln10Ter)

Gene: PYCR2 (pyrroline-5-carboxylate reductase 2; minus strand). Cytogenetic location: 1q42.12.
Variant type: single nucleotide variant.
Coding change: c.28C>T on transcript NM_013328.4 (MANE Select); coding-DNA position 28, C replaced by T.
Protein change: p.Gln10Ter; replaces glutamine 10 with a stop codon.
Molecular consequence: nonsense.
Genome position (GRCh38, 1-based): chr1:225,924,083, G>A on the plus strand (C>T on the coding strand, the complement: PYCR2 is on the minus strand). VCF-style: chr1-225924083-G-A. GRCh37 (hg19) VCF-style: chr1-226111783-G-A.
Other names: c.28C>T, p.Gln10Ter (NM_001271681.2); short protein forms Q10*.
Identifiers: ClinVar variation 3384020 (VCV003384020.1).

ClinVar aggregate classification (germline): Likely pathogenic (1 of 4 stars; one submission).

Conditions:
Leukodystrophy. Identifiers: Orphanet 68356, MedGen C0023520, MONDO:0019046, HP:0002415.

Submission:

Dubai Health Genomic Medicine Center, Dubai Health
Classification: Likely pathogenic for Leukodystrophy. Last evaluated: 2024-10-04. Review status: criteria provided, single submitter. Criteria: ACMG Guidelines, 2015. Collection method: research. Allele origin: germline. Affected: yes.
Comment: PVS1,PM2